The following is an entry in ClinVar:

NM_025144.4(ALPK1):c.1727del (p.Gly576fs)

Gene: ALPK1 (alpha kinase 1; plus strand). Cytogenetic location: 4q25.
Variant type: Deletion.
Coding change: c.1727del on transcript NM_025144.4 (MANE Select); coding-DNA position 1727, one base deleted (G; older notation c.1727delG).
Protein change: p.Gly576fs; shifts the reading frame from glycine 576.
Molecular consequence: frameshift variant.
Genome position (GRCh38, 1-based): chr4:112,431,274, G deleted; the last of 2 consecutive G bases (chr4:112,431,273-112,431,274); deleting either gives the same sequence. VCF-style (leftmost placement, unchanged base first): chr4-112431272-TG-T. GRCh37 (hg19) VCF-style: chr4-113352428-TG-T.
Other names: c.1727del, p.Gly576fs (NM_001102406.2); c.1493del, p.Gly498fs (NM_001253884.2); short protein forms G498fs, G576fs.
Identifiers: ClinVar variation 2879065 (VCV002879065.3), dbSNP rs774541645, ClinGen allele CA3046785.

ClinVar aggregate classification (germline): Uncertain significance (1 of 4 stars; one submission).

Submission:

Labcorp Genetics (formerly Invitae), Labcorp
Classification: Uncertain significance. Last evaluated: 2025-11-10. Review status: criteria provided, single submitter. Criteria: Invitae Variant Classification Sherloc (09022015). Collection method: clinical testing. Allele origin: germline.
Comment: This sequence change creates a premature translational stop signal (p.Gly576Alafs*23) in the ALPK1 gene. It is expected to result in an absent or disrupted protein product. However, the current clinical and genetic evidence is not sufficient to establish whether loss-of-function variants in ALPK1 cause disease. This variant is present in population databases (rs774541645, gnomAD 0.0009%). This variant has not been reported in the literature in individuals affected with ALPK1-related conditions. ClinVar contains an entry for this variant (Variation ID: 2879065). In summary, the available evidence is currently insufficient to determine the role of this variant in disease. Therefore, it has been classified as a Variant of Uncertain Significance.